The following is an entry in ClinVar:

NM_000784.4(CYP27A1):c.1174G>C (p.Glu392Gln)

Gene: CYP27A1 (cytochrome P450 family 27 subfamily A member 1; plus strand). Cytogenetic location: 2q35.
Variant type: single nucleotide variant.
Coding change: c.1174G>C on transcript NM_000784.4 (MANE Select); coding-DNA position 1174, G replaced by C.
Protein change: p.Glu392Gln; replaces glutamic acid 392 with glutamine.
Molecular consequence: missense variant.
Genome position (GRCh38, 1-based): chr2:218,814,177, G>C. VCF-style: chr2-218814177-G-C. GRCh37 (hg19) VCF-style: chr2-219678900-G-C.
Other names: short protein forms E392Q.
Identifiers: ClinVar variation 2121893 (VCV002121893.4), dbSNP rs1553616443, ClinGen allele CA350592700.
Genomic context (GRCh38, chr2:218,814,177, plus strand): 5'-GGGCAAGTGCCCCAGCACAAGGACTTTGCCCACATGCCGTTGCTCAAAGCTGTGCTTAAG[G>C]AGACTCTGCGGTAGGACAGAATGCTGTTCTGGGGGGCACAGGATCTCTTTGTGGGGAGGG-3'
Protein context (NP_000775.1, residues 382-402): HMPLLKAVLK[Glu392Gln]TLRLYPVVPT

ClinVar aggregate classification (germline): Uncertain significance (1 of 4 stars; one submission).

Conditions:
Cholestanol storage disease (CTX). Also called: CEREBRAL CHOLESTERINOSIS; CTX: Cerebrotendinous xanthomatosis; Cerebrotendinous Xanthomatosis. Identifiers: Orphanet 909, MedGen C0238052, MONDO:0008948, OMIM 213700.

Allele frequency attached by ClinVar (database versions not stated): gnomAD exomes below 0.00001.
gnomAD v4.1: 4 of 1,614,264 alleles (0.00025%); highest among the groups gnomAD compares: Non-Finnish European, 0.00034%; no homozygotes.

Submission:

Labcorp Genetics (formerly Invitae), Labcorp
Classification: Uncertain significance for Cholestanol storage disease. Last evaluated: 2024-10-17. Review status: criteria provided, single submitter. Criteria: Invitae Variant Classification Sherloc (09022015). Collection method: clinical testing. Allele origin: germline.
Comment: This sequence change replaces glutamic acid, which is acidic and polar, with glutamine, which is neutral and polar, at codon 392 of the CYP27A1 protein (p.Glu392Gln). This variant is not present in population databases (gnomAD no frequency). This variant has not been reported in the literature in individuals affected with CYP27A1-related conditions. ClinVar contains an entry for this variant (Variation ID: 2121893). Invitae Evidence Modeling of protein sequence and biophysical properties (such as structural, functional, and spatial information, amino acid conservation, physicochemical variation, residue mobility, and thermodynamic stability) indicates that this missense variant is expected to disrupt CYP27A1 protein function with a positive predictive value of 95%. This variant disrupts the p.Glu392 amino acid residue in CYP27A1. Other variant(s) that disrupt this residue have been observed in individuals with CYP27A1-related conditions (PMID: 19373932, 27455001), which suggests that this may be a clinically significant amino acid residue. In summary, the available evidence is currently insufficient to determine the role of this variant in disease. Therefore, it has been classified as a Variant of Uncertain Significance.

Literature cited by the submitters: PubMed 19373932; PubMed 27455001.